The following is an entry in ClinVar:

NM_177438.3(DICER1):c.968G>T (p.Gly323Val)

Gene: DICER1 (dicer 1, ribonuclease III; minus strand). Cytogenetic location: 14q32.13.
Variant type: single nucleotide variant.
Coding change: c.968G>T on transcript NM_177438.3 (MANE Select); coding-DNA position 968, G replaced by T.
Protein change: p.Gly323Val; replaces glycine 323 with valine.
Molecular consequence: missense variant.
Genome position (GRCh38, 1-based): chr14:95,124,604, C>A on the plus strand (G>T on the coding strand, the complement: DICER1 is on the minus strand). VCF-style: chr14-95124604-C-A. GRCh37 (hg19) VCF-style: chr14-95590941-C-A.
Other names: c.968G>T, p.Gly323Val (NM_001195573.1, NM_001271282.3, NM_001291628.2 and 1 more transcripts); short protein forms G323V.
Identifiers: ClinVar variation 477296 (VCV000477296.17), dbSNP rs906299601, ClinGen allele CA265923510.

ClinVar aggregate classification (germline): Uncertain significance. Review status: criteria provided, multiple submitters, no conflicts (2 of 4 stars). 3 submissions from 3 submitters: Uncertain significance (3). Last evaluated 2026-04-20.

Conditions:
Hereditary cancer-predisposing syndrome. Also called: Tumor predisposition; Hereditary neoplastic syndrome; Neoplastic Syndromes, Hereditary; Hereditary Cancer Syndrome. Identifiers: Orphanet 140162, MedGen C0027672, MeSH D009386, MONDO:0015356.
DICER1-related tumor predisposition. Also called: DICER1-related pleuropulmonary blastoma cancer predisposition syndrome; DICER1 syndrome. Identifiers: Orphanet 284343, MedGen C3839822, MONDO:0100216.
Pleuropulmonary blastoma (PPB). Identifiers: Orphanet 64742, MedGen C1266144, MONDO:0011014, OMIM 601200, HP:0100528.

Allele frequency attached by ClinVar (database versions not stated): gnomAD exomes below 0.00001.
gnomAD v4.1: 4 of 1,613,772 alleles (0.00025%); highest among the groups gnomAD compares: African/African-American, 0.0013%; no homozygotes.

Submissions (3):

Ambry Genetics
Classification: Uncertain significance for Hereditary cancer-predisposing syndrome. Last evaluated: 2026-04-20. Review status: criteria provided, single submitter. Criteria: Ambry Variant Classification Scheme 2023. Collection method: clinical testing. Allele origin: germline.

Labcorp Genetics (formerly Invitae), Labcorp
Classification: Uncertain significance for DICER1-related tumor predisposition. Last evaluated: 2025-11-22. Review status: criteria provided, single submitter. Criteria: Invitae Variant Classification Sherloc (09022015). Collection method: clinical testing. Allele origin: germline.
Comment: This sequence change replaces glycine, which is neutral and non-polar, with valine, which is neutral and non-polar, at codon 323 of the DICER1 protein (p.Gly323Val). This variant is present in population databases (no rsID available, gnomAD 0.0009%). This variant has not been reported in the literature in individuals affected with DICER1-related conditions. ClinVar contains an entry for this variant (Variation ID: 477296). Invitae Evidence Modeling of protein sequence and biophysical properties (such as structural, functional, and spatial information, amino acid conservation, physicochemical variation, residue mobility, and thermodynamic stability) indicates that this missense variant is not expected to disrupt DICER1 protein function with a negative predictive value of 95%. In summary, the available evidence is currently insufficient to determine the role of this variant in disease. Therefore, it has been classified as a Variant of Uncertain Significance.

St. Jude Molecular Pathology, St. Jude Children's Research Hospital
Classification: Uncertain significance for Pleuropulmonary blastoma. Last evaluated: 2023-02-09. Review status: criteria provided, single submitter. Criteria: St. Jude Assertion Criteria 2020. Collection method: clinical testing. Allele origin: germline.
Comment: The DICER1 c.968G>T (p.Gly323Val) missense change has a maximum subpopulation frequency of 0.0009980% in gnomAD non-cancer v2.1.1. The in silico tool REVEL predicts a benign effect on protein function and no splicing effects are predicted, but to our knowledge these predictions have not been confirmed by functional studies. To our knowledge, this variant has not been reported in individuals with DICER1-associated tumors. In summary, the evidence currently available is insufficient to determine the clinical significance of this variant. It has therefore been classified as of uncertain significance.?